The following is an entry in ClinVar:

NM_022047.4(DEF6):c.859A>C (p.Asn287His)

Gene: DEF6 (DEF6 guanine nucleotide exchange factor; plus strand). Cytogenetic location: 6p21.31.
Variant type: single nucleotide variant.
Coding change: c.859A>C on transcript NM_022047.4 (MANE Select); coding-DNA position 859, A replaced by C.
Protein change: p.Asn287His; replaces asparagine 287 with histidine.
Molecular consequence: missense variant.
Genome position (GRCh38, 1-based): chr6:35,317,942, A>C. VCF-style: chr6-35317942-A-C. GRCh37 (hg19) VCF-style: chr6-35285719-A-C.
Other names: p.Asn287His; short protein forms N287H.
Identifiers: ClinVar variation 1164906 (VCV001164906.37), dbSNP rs61734579, ClinGen allele CA3770833.

ClinVar aggregate classification (germline): Benign/Likely benign. Review status: criteria provided, multiple submitters, no conflicts (2 of 4 stars). 3 submissions from 3 submitters: Benign (2); Likely benign (1). Last evaluated 2026-09-01.

Allele frequency attached by ClinVar (database versions not stated): 1000 Genomes Project 30x 0.00437; 1000 Genomes Project 0.00479; ESP Exome Variant Server 0.00661; ExAC 0.00880; gnomAD 0.00896; gnomAD exomes 0.00903 and 0.00917.
gnomAD v4.1: 14,602 of 1,613,842 alleles (0.9%); highest among the groups gnomAD compares: Non-Finnish European, 0.93%; 126 homozygotes.

Submissions (3):

CeGaT Center for Human Genetics Tuebingen
Classification: Likely benign. Last evaluated: 2026-09-01. Review status: criteria provided, single submitter. Criteria: CeGaT Center For Human Genetics Tuebingen Variant Classification Criteria Version 2. Collection method: clinical testing. Allele origin: germline. Affected: yes. Observed: 12 variant alleles.
Comment: DEF6: BP4, BS2

Labcorp Genetics (formerly Invitae), Labcorp
Classification: Benign. Last evaluated: 2026-02-02. Review status: criteria provided, single submitter. Criteria: Invitae Variant Classification Sherloc (09022015). Collection method: clinical testing. Allele origin: germline.

Mayo Clinic Laboratories, Mayo Clinic
Classification: Benign. Last evaluated: 2023-07-18. Review status: criteria provided, single submitter. Criteria: ACMG Guidelines, 2015. Collection method: clinical testing. Allele origin: germline. Observed: 5 variant alleles.
Comment: BS1, BS2, BP4